The following is an entry in ClinVar:

NM_001292063.2(OTOG):c.7150A>T (p.Ile2384Leu)

Gene: OTOG (otogelin; plus strand). Cytogenetic location: 11p15.1.
Variant type: single nucleotide variant.
Coding change: c.7150A>T on transcript NM_001292063.2 (MANE Select); coding-DNA position 7150, A replaced by T.
Protein change: p.Ile2384Leu; replaces isoleucine 2384 with leucine.
Molecular consequence: missense variant.
Genome position (GRCh38, 1-based): chr11:17,633,757, A>T. VCF-style: chr11-17633757-A-T. GRCh37 (hg19) VCF-style: chr11-17655304-A-T.
Other names: c.7186A>T, p.Ile2396Leu (NM_001277269.2); short protein forms I2384L, I2396L.
Identifiers: ClinVar variation 3367346 (VCV003367346.2).

ClinVar aggregate classification (germline): Uncertain significance (1 of 4 stars; one submission).

gnomAD v4.1: 72 of 1,550,368 alleles (0.0046%); highest among the groups gnomAD compares: Non-Finnish European, 0.0059%; no homozygotes.

Submission:

GeneDx
Classification: Uncertain significance. Last evaluated: 2025-11-25. Review status: criteria provided, single submitter. Criteria: GeneDx Variant Classification Process June 2021. Collection method: clinical testing. Allele origin: germline.
Comment: Not observed at significant frequency in large population cohorts (gnomAD); In silico analysis suggests that this missense variant does not alter protein structure/function; Has not been previously published as pathogenic or benign to our knowledge